The following is an entry in ClinVar:

ClinVar aggregate classification (germline): Uncertain significance (1 of 4 stars; one submission).

Conditions:
Hereditary cancer-predisposing syndrome. Also called: Neoplastic Syndromes, Hereditary; Hereditary Cancer Syndrome; Tumor predisposition; Hereditary neoplastic syndrome. Identifiers: Orphanet 140162, MedGen C0027672, MeSH D009386, MONDO:0015356.

Submission:

Ambry Genetics
Classification: Uncertain significance for Hereditary cancer-predisposing syndrome. Last evaluated: 2023-03-11. Review status: criteria provided, single submitter. Criteria: Ambry Variant Classification Scheme 2023. Collection method: clinical testing. Allele origin: germline.
Comment: The p.I620T variant (also known as c.1859T>C), located in coding exon 15 of the MRE11A gene, results from a T to C substitution at nucleotide position 1859. The isoleucine at codon 620 is replaced by threonine, an amino acid with similar properties. This amino acid position is conserved. In addition, the in silico prediction for this alteration is inconclusive. Since supporting evidence is limited at this time, the clinical significance of this alteration remains unclear.

NM_005591.4(MRE11):c.1859T>C (p.Ile620Thr)

Gene: MRE11 (MRE11 double strand break repair nuclease; minus strand). Cytogenetic location: 11q21.
Variant type: single nucleotide variant.
Coding change: c.1859T>C on transcript NM_005591.4 (MANE Select); coding-DNA position 1859, T replaced by C.
Protein change: p.Ile620Thr; replaces isoleucine 620 with threonine.
Molecular consequence: missense variant. On other transcripts: intron variant (1).
Genome position (GRCh38, 1-based): chr11:94,445,818, A>G on the plus strand (T>C on the coding strand, the complement: MRE11 is on the minus strand). VCF-style: chr11-94445818-A-G. GRCh37 (hg19) VCF-style: chr11-94178984-A-G.
Other names: c.1856T>C, p.Ile619Thr (NM_001330347.2); c.1783+1401T>C (NM_005590.4); short protein forms I619T, I620T.
Identifiers: ClinVar variation 2447001 (VCV002447001.2), dbSNP rs2496279738, ClinGen allele CA382366243.